The following is an entry in ClinVar:

ClinVar aggregate classification (germline): Uncertain significance. Review status: criteria provided, multiple submitters, no conflicts (2 of 4 stars). 4 submissions from 4 submitters: Uncertain significance (4). Last evaluated 2023-10-06.

Conditions:
RYR1-related disorder. Also called: RYR1-related disorders; RYR1-related condition. Identifiers: MedGen CN239331.
Malignant hyperthermia, susceptibility to, 1 (MHS1). Also called: Malignant hyperthermia suceptibility 1; RYR1-Related Malignant Hyperthermia Susceptibility; Anesthesia related hyperthermia; Malignant hyperpyrexia; Fulminating hyperpyrexia; Pharmacogenic myopathy. Identifiers: Orphanet 423, MedGen C2930980, MONDO:0007783, OMIM 145600.

Submissions (4):

All of Us Research Program, National Institutes of Health
Classification: Uncertain significance for Malignant hyperthermia, susceptibility to, 1. Last evaluated: 2023-10-06. Review status: criteria provided, single submitter. Criteria: ACMG Guidelines, 2015. Collection method: clinical testing. Allele origin: germline. Inheritance: Autosomal dominant inheritance. Observed: 1 variant allele, 1 heterozygote.
Comment: This missense variant replaces isoleucine with valine at codon 585 of the RYR1 protein. Computational prediction is inconclusive regarding the impact of this variant on protein structure and function (internally defined REVEL score threshold 0.5 < inconclusive < 0.7, PMID: 27666373). To our knowledge, functional studies have not been reported for this variant. This variant has not been reported in individuals affected with RYR1-related disorders in the literature. This variant has not been identified in the general population by the Genome Aggregation Database (gnomAD). The available evidence is insufficient to determine the role of this variant in disease conclusively. Therefore, this variant is classified as a Variant of Uncertain Significance.

This study involves interpretation of variants in research participants for the purpose of population health screening. Participant phenotype was not available at the time of variant classification. Additional details can be found in publication PMID: 35346344, PMCID: PMC8962531

Labcorp Genetics (formerly Invitae), Labcorp
Classification: Uncertain significance for RYR1-related disorder. Last evaluated: 2021-08-26. Review status: criteria provided, single submitter. Criteria: Invitae Variant Classification Sherloc (09022015). Collection method: clinical testing. Allele origin: germline.
Comment: This sequence change replaces isoleucine with valine at codon 585 of the RYR1 protein (p.Ile585Val). The isoleucine residue is highly conserved and there is a small physicochemical difference between isoleucine and valine. This variant is not present in population databases (ExAC no frequency). This variant has not been reported in the literature in individuals affected with RYR1-related conditions. ClinVar contains an entry for this variant (Variation ID: 224368). Advanced modeling of protein sequence and biophysical properties (such as structural, functional, and spatial information, amino acid conservation, physicochemical variation, residue mobility, and thermodynamic stability) performed at Invitae indicates that this missense variant is not expected to disrupt RYR1 protein function. In summary, the available evidence is currently insufficient to determine the role of this variant in disease. Therefore, it has been classified as a Variant of Uncertain Significance.

Revvity Omics, Revvity
Classification: Uncertain significance. Last evaluated: 2019-08-20. Review status: criteria provided, single submitter. Criteria: ACMG Guidelines, 2015. Collection method: clinical testing. Allele origin: germline.

Biesecker Lab/Clinical Genomics Section, National Institutes of Health
Classification: Uncertain significance for Malignant hyperthermia, susceptibility to, 1. Last evaluated: 2013-07-01. Review status: criteria provided, single submitter. Criteria: Gonsalves et al. 2013. Collection method: research. Allele origin: unknown. Observed: 1 variant allele. Study: ClinSeq.
Comment: The study set was not selected for affection status in relation to any myopathy. Pathogenicity categories were based on literature curation. See Pubmed ID: 24195946 for details.

NM_000540.3(RYR1):c.1753A>G (p.Ile585Val)

Gene: RYR1 (ryanodine receptor 1; plus strand). Cytogenetic location: 19q13.2.
Variant type: single nucleotide variant.
Coding change: c.1753A>G on transcript NM_000540.3 (MANE Select); coding-DNA position 1753, A replaced by G.
Protein change: p.Ile585Val; replaces isoleucine 585 with valine.
Molecular consequence: missense variant.
Genome position (GRCh38, 1-based): chr19:38,455,713, A>G. VCF-style: chr19-38455713-A-G. GRCh37 (hg19) VCF-style: chr19-38946353-A-G.
Other names: c.1753A>G, p.Ile585Val (NM_001042723.2); short protein forms I585V.
Identifiers: ClinVar variation 224368 (VCV000224368.9), dbSNP rs200770015, ClinGen allele CA212103.